The following is an entry in ClinVar:

NM_182961.4(SYNE1):c.22494G>A (p.Glu7498=)

Gene: SYNE1 (spectrin repeat containing nuclear envelope protein 1; minus strand). Cytogenetic location: 6q25.2.
Variant type: single nucleotide variant.
Coding change: c.22494G>A on transcript NM_182961.4 (MANE Select); coding-DNA position 22494, G replaced by A.
Protein change: p.Glu7498=; no amino-acid change (glutamic acid 7498 retained).
Molecular consequence: synonymous variant.
Genome position (GRCh38, 1-based): chr6:152,213,612, C>T on the plus strand (G>A on the coding strand, the complement: SYNE1 is on the minus strand). VCF-style: chr6-152213612-C-T. GRCh37 (hg19) VCF-style: chr6-152534747-C-T.
Other names: c.22281G>A, p.Glu7427= (NM_033071.5).
Identifiers: ClinVar variation 1938369 (VCV001938369.2), dbSNP rs2551436889, ClinGen allele CA452748417.
Genomic context (GRCh38, chr6:152,213,612, plus strand): 5'-TAGCATCTTCTAAGGGCCTAAAAATTTCTTATTACCCCCAAATCTACTGATACAACTTAC[C>T]TCGTGTGCTCTCTGCTGTTCCAAAAGGTGCTGATAATTTCCTGAAATCTCTACTGCTAAC-3'
Protein context (NP_892006.3, residues 7488-7508): QHLLEQQRAH[Glu7498=]LFQAEMFSRQ

ClinVar aggregate classification (germline): Uncertain significance (1 of 4 stars; one submission).

Conditions:
Emery-Dreifuss muscular dystrophy 4, autosomal dominant (EDMD4). Also called: EMERY-DREIFUSS MUSCULAR DYSTROPHY 4 WITH VARIABLE FEATURES. Identifiers: Orphanet 261, MedGen C2751807, MONDO:0013071, OMIM 612998.
Autosomal recessive ataxia, Beauce type. Also called: SYNE1 Deficiency; Spinocerebellar ataxia, autosomal recessive 8; ATAXIA, RECESSIVE, OF BEAUCE; SYNE1-Related Autosomal Recessive Cerebellar Ataxia. Identifiers: Orphanet 88644, MedGen C1853116, MONDO:0012549, OMIM 610743.

Submission:

Labcorp Genetics (formerly Invitae), Labcorp
Classification: Uncertain significance for Emery-Dreifuss muscular dystrophy 4, autosomal dominant; Autosomal recessive ataxia, Beauce type. Last evaluated: 2022-04-18. Review status: criteria provided, single submitter. Criteria: Invitae Variant Classification Sherloc (09022015). Collection method: clinical testing. Allele origin: germline.
Comment: This sequence change affects codon 7427 of the SYNE1 mRNA. It is a 'silent' change, meaning that it does not change the encoded amino acid sequence of the SYNE1 protein. This variant also falls at the last nucleotide of exon 122, which is part of the consensus splice site for this exon. This variant is not present in population databases (gnomAD no frequency). This variant has not been reported in the literature in individuals affected with SYNE1-related conditions. Variants that disrupt the consensus splice site are a relatively common cause of aberrant splicing (PMID: 17576681, 9536098). Algorithms developed to predict the effect of sequence changes on RNA splicing suggest that this variant is not likely to affect RNA splicing. In summary, the available evidence is currently insufficient to determine the role of this variant in disease. Therefore, it has been classified as a Variant of Uncertain Significance.

Literature cited by the submitters: PubMed 17576681; PubMed 9536098.